The following is an entry in ClinVar:

ClinVar aggregate classification (germline): Uncertain significance (1 of 4 stars; one submission).

Allele frequency attached by ClinVar (database versions not stated): gnomAD 0.00001.
gnomAD v4.1: 1 of 1,614,018 alleles (0.000062%); highest among the groups gnomAD compares: African/African-American, 0.0013%; no homozygotes.

Submission:

GeneDx
Classification: Uncertain significance. Last evaluated: 2019-06-27. Review status: criteria provided, single submitter. Criteria: GeneDx Variant Classification Process June 2021. Collection method: clinical testing. Allele origin: germline. Affected: yes.
Comment: Not observed in large population cohorts (Lek et al., 2016); In silico analysis, which includes protein predictors and evolutionary conservation, supports that this variant does not alter protein structure/function; Has not been previously published as pathogenic or benign to our knowledge

NM_001197104.2(KMT2A):c.9355G>C (p.Glu3119Gln)

Gene: KMT2A (lysine methyltransferase 2A; plus strand). Cytogenetic location: 11q23.3.
Variant type: single nucleotide variant.
Coding change: c.9355G>C on transcript NM_001197104.2 (MANE Select); coding-DNA position 9355, G replaced by C.
Protein change: p.Glu3119Gln; replaces glutamic acid 3119 with glutamine.
Molecular consequence: missense variant.
Genome position (GRCh38, 1-based): chr11:118,505,247, G>C. VCF-style: chr11-118505247-G-C. GRCh37 (hg19) VCF-style: chr11-118375962-G-C.
Other names: c.9346G>C, p.Glu3116Gln (NM_005933.4); short protein forms E3116Q, E3119Q.
Identifiers: ClinVar variation 1302309 (VCV001302309.2), dbSNP rs1950560997, ClinGen allele CA382820073.
Genomic context (GRCh38, chr11:118,505,247, plus strand): 5'-AATGGAGTGACCCAAAAAATCCAATTGACCTCTTCTGTTAGTTCTACACCCAGTGTGATG[G>C]AGACAAATACTTCAGTATTGGGACCCATGGGAGGTGGTCTCACCCTTACCACAGGACTAA-3'
Protein context (NP_001184033.1, residues 3109-3129): SSVSSTPSVM[Glu3119Gln]TNTSVLGPMG